The following is an entry in ClinVar:

NC_000001.10:g.(?_865515)_(879533_?)del

Gene: SAMD11 (sterile alpha motif domain containing 11; plus strand). Cytogenetic location: 1p36.33.
Variant type: Deletion.
Identifiers: ClinVar variation 1450226 (VCV001450226.5).

ClinVar aggregate classification (germline): Uncertain significance (1 of 4 stars; one submission).

Submission:

Labcorp Genetics (formerly Invitae), Labcorp
Classification: Uncertain significance. Last evaluated: 2022-06-27. Review status: criteria provided, single submitter. Criteria: Invitae Variant Classification Sherloc (09022015). Collection method: clinical testing. Allele origin: germline.
Comment: In summary, the available evidence is currently insufficient to determine the role of this variant in disease. Therefore, it has been classified as a Variant of Uncertain Significance. This variant has not been reported in the literature in individuals affected with SAMD11-related conditions. This variant is a gross deletion of the genomic region encompassing exon(s) 3-14 of the SAMD11 gene, which includes the termination codon. This deletion extends beyond the assayed region for this gene and therefore may encompass additional genes. While this deletion is not anticipated to lead to nonsense mediated decay, it is expected to alter mRNA translation or result in a truncated protein product.